The following is an entry in ClinVar:

ClinVar aggregate classification (germline): Pathogenic (1 of 4 stars; one submission).

Conditions:
COG5-congenital disorder of glycosylation. Also called: CDG IIi; COG5-CDG; CONGENITAL DISORDER OF GLYCOSYLATION, TYPE IIi. Identifiers: Orphanet 263487, MedGen C3150876, MONDO:0013325, OMIM 613612.

Submission:

Labcorp Genetics (formerly Invitae), Labcorp
Classification: Pathogenic for COG5-congenital disorder of glycosylation. Last evaluated: 2025-10-23. Review status: criteria provided, single submitter. Criteria: Invitae Variant Classification Sherloc (09022015). Collection method: clinical testing. Allele origin: germline.
Comment: This sequence change creates a premature translational stop signal (p.Gln264*) in the COG5 gene. It is expected to result in an absent or disrupted protein product. Loss-of-function variants in COG5 are known to be pathogenic (PMID: 23228021). This variant is not present in population databases (gnomAD no frequency). This variant has not been reported in the literature in individuals affected with COG5-related conditions. ClinVar contains an entry for this variant (Variation ID: 2900491). For these reasons, this variant has been classified as Pathogenic.

Literature cited by the submitters: PubMed 23228021.

NM_006348.5(COG5):c.697C>T (p.Gln233Ter)

Gene: COG5 (component of oligomeric golgi complex 5; minus strand). Cytogenetic location: 7q22.3.
Variant type: single nucleotide variant.
Coding change: c.697C>T on transcript NM_006348.5 (MANE Select); coding-DNA position 697, C replaced by T.
Protein change: p.Gln233Ter; replaces glutamine 233 with a stop codon.
Molecular consequence: nonsense. On other transcripts: intron variant (2).
Genome position (GRCh38, 1-based): chr7:107,372,733, G>A on the plus strand (C>T on the coding strand, the complement: COG5 is on the minus strand). VCF-style: chr7-107372733-G-A. GRCh37 (hg19) VCF-style: chr7-107013178-G-A.
Other names: c.697C>T, p.Gln233Ter (NM_001161520.2, NM_001379511.1, NM_001379512.1 and 3 more transcripts); c.235-10623C>T (NM_001379516.1); c.539-74387C>T (NM_001379515.1); short protein forms Q233*.
Identifiers: ClinVar variation 2900491 (VCV002900491.3), dbSNP rs1814292465, ClinGen allele CA368941095.